The following is an entry in ClinVar:

NM_001164508.2(NEB):c.9488A>G (p.Lys3163Arg)

Gene: NEB (nebulin; minus strand). Cytogenetic location: 2q23.3.
Variant type: single nucleotide variant.
Coding change: c.9488A>G on transcript NM_001164508.2 (MANE Select); coding-DNA position 9488, A replaced by G.
Protein change: p.Lys3163Arg; replaces lysine 3163 with arginine.
Molecular consequence: missense variant. On other transcripts: intron variant (1).
Genome position (GRCh38, 1-based): chr2:151,631,273, T>C on the plus strand (A>G on the coding strand, the complement: NEB is on the minus strand). VCF-style: chr2-151631273-T-C. GRCh37 (hg19) VCF-style: chr2-152487787-T-C.
Other names: c.9488A>G, p.Lys3163Arg (NM_001164507.2, NM_001271208.2); c.8854-95A>G (NM_004543.5); short protein forms K3163R.
Identifiers: ClinVar variation 2203612 (VCV002203612.4), dbSNP rs373793316, ClinGen allele CA1909306.
Genomic context (GRCh38, chr2:151,631,273, plus strand): 5'-AGCTTGTCCGGAGGCTGGCGGTAGATGTTATCACTCAGTATTTCGGTAGCTCTCTTGCAC[T>C]TGACCACATCCATAGACCCAATGGGGACCCAGCCAATGCCTCTCAGCCACTGGAGATCTG-3'
Protein context (NP_001157980.2, residues 3153-3173): WVPIGSMDVV[Lys3163Arg]CKRATEILSD

ClinVar aggregate classification (germline): Uncertain significance. Review status: criteria provided, multiple submitters, no conflicts (2 of 4 stars). 2 submissions from 2 submitters: Uncertain significance (2). Last evaluated 2022-07-29.

Conditions:
Nemaline myopathy 2 (NEM2). Also called: Nemaline myopathy 2, autosomal recessive. Identifiers: MedGen C1850569, MONDO:0009725, OMIM 256030.

Allele frequency attached by ClinVar (database versions not stated): gnomAD exomes below 0.00001; ExAC 0.00002; TOPMed 0.00002; gnomAD 0.00003; 1000 Genomes Project 0.00020; ESP Exome Variant Server 0.00022; 1000 Genomes Project 30x 0.00031.
gnomAD v4.1: 8 of 1,613,958 alleles (0.0005%); highest among the groups gnomAD compares: African/African-American, 0.0093%; no homozygotes.

Submissions (2):

Labcorp Genetics (formerly Invitae), Labcorp
Classification: Uncertain significance for Nemaline myopathy 2. Last evaluated: 2022-07-29. Review status: criteria provided, single submitter. Criteria: Invitae Variant Classification Sherloc (09022015). Collection method: clinical testing. Allele origin: germline.
Comment: This sequence change replaces lysine, which is basic and polar, with arginine, which is basic and polar, at codon 3163 of the NEB protein (p.Lys3163Arg). This variant is present in population databases (rs373793316, gnomAD 0.02%). This variant has not been reported in the literature in individuals affected with NEB-related conditions. Algorithms developed to predict the effect of missense changes on protein structure and function are either unavailable or do not agree on the potential impact of this missense change (SIFT: "Deleterious"; PolyPhen-2: "Not Available"; Align-GVGD: "Class C0"). Algorithms developed to predict the effect of sequence changes on RNA splicing suggest that this variant may create or strengthen a splice site. In summary, the available evidence is currently insufficient to determine the role of this variant in disease. Therefore, it has been classified as a Variant of Uncertain Significance.

Revvity Omics, Revvity
Classification: Uncertain significance. Last evaluated: 2020-12-28. Review status: criteria provided, single submitter. Criteria: ACMG Guidelines, 2015. Collection method: clinical testing. Allele origin: germline.